The following is an entry in ClinVar:

ClinVar aggregate classification (germline): Uncertain significance (1 of 4 stars; one submission).

Conditions:
Spongy degeneration of central nervous system. Also called: ACY2 DEFICIENCY; AMINOACYLASE 2 DEFICIENCY; ASP DEFICIENCY; ASPA DEFICIENCY; ASPARTOACYLASE DEFICIENCY; CANAVAN-VAN BOGAERT-BERTRAND DISEASE. Identifiers: Orphanet 141, MedGen C0206307, MONDO:0010079, OMIM 271900.

Allele frequency attached by ClinVar (database versions not stated): gnomAD exomes below 0.00001; TOPMed 0.00001.
gnomAD v4.1: 3 of 1,595,432 alleles (0.00019%); highest among the groups gnomAD compares: South Asian, 0.0011%; no homozygotes.

Submission:

Labcorp Genetics (formerly Invitae), Labcorp
Classification: Uncertain significance for Spongy degeneration of central nervous system. Last evaluated: 2024-09-30. Review status: criteria provided, single submitter. Criteria: Invitae Variant Classification Sherloc (09022015). Collection method: clinical testing. Allele origin: germline.
Comment: This sequence change falls in intron 4 of the ASPA gene. It does not directly change the encoded amino acid sequence of the ASPA protein. It affects a nucleotide within the consensus splice site. This variant is present in population databases (no rsID available, gnomAD 0.01%). This variant has not been reported in the literature in individuals affected with ASPA-related conditions. ClinVar contains an entry for this variant (Variation ID: 2159738). Variants that disrupt the consensus splice site are a relatively common cause of aberrant splicing (PMID: 17576681, 9536098). Algorithms developed to predict the effect of sequence changes on RNA splicing suggest that this variant is not likely to affect RNA splicing. In summary, the available evidence is currently insufficient to determine the role of this variant in disease. Therefore, it has been classified as a Variant of Uncertain Significance.

Literature cited by the submitters: PubMed 17576681; PubMed 9536098.

NM_000049.4(ASPA):c.635-3T>C

Genes: ASPA (aspartoacylase; plus strand), SPATA22 (spermatogenesis associated 22; minus strand). Cytogenetic location: 17p13.2.
Variant type: single nucleotide variant.
Coding change: c.635-3T>C on transcript NM_000049.4 (MANE Select); 3 bases into the intron before coding-DNA position 635, T replaced by C.
Molecular consequence: intron variant.
Genome position (GRCh38, 1-based): chr17:3,494,347, T>C. VCF-style: chr17-3494347-T-C. GRCh37 (hg19) VCF-style: chr17-3397641-T-C.
Other names: c.-74+19065A>G (NM_001321336.2, NM_001321337.2); c.635-3T>C (NM_001128085.1).
Identifiers: ClinVar variation 2159738 (VCV002159738.2), dbSNP rs1325420675, ClinGen allele CA624535670.